The following is an entry in ClinVar:

ClinVar aggregate classification (germline): Conflicting classifications of pathogenicity. Review status: criteria provided, conflicting classifications (1 of 4 stars). 7 submissions from 7 submitters: Uncertain significance (4); Likely benign (2). 1 of the submissions does not count toward it. Last evaluated 2026-09-01.

Conditions:
OTOF-related disorder. Also called: OTOF-related condition.
Autosomal recessive nonsyndromic hearing loss 9. Also called: NEUROSENSORY NONSYNDROMIC RECESSIVE DEAFNESS 9; AUDITORY NEUROPATHY, AUTOSOMAL RECESSIVE, 1, TEMPERATURE-SENSITIVE; OTOF-Related Hearing Loss; Deafness, autosomal recessive 9. Identifiers: Orphanet 90636, MedGen C1832828, MONDO:0010986, OMIM 601071.

Allele frequency attached by ClinVar (database versions not stated): gnomAD exomes 0.00023; ESP Exome Variant Server 0.00031; gnomAD 0.00048; TOPMed 0.00018.
gnomAD v4.1: 512 of 1,614,094 alleles (0.032%); highest among the groups gnomAD compares: Non-Finnish European, 0.041%; no homozygotes.

Submissions (8):

CeGaT Center for Human Genetics Tuebingen
Classification: Uncertain significance. Last evaluated: 2026-09-01. Review status: criteria provided, single submitter. Criteria: CeGaT Center For Human Genetics Tuebingen Variant Classification Criteria Version 2. Collection method: clinical testing. Allele origin: germline. Affected: yes. Observed: 1 variant allele.
Comment: OTOF: PM2:Supporting

Labcorp Genetics (formerly Invitae), Labcorp
Classification: Likely benign. Last evaluated: 2026-01-12. Review status: criteria provided, single submitter. Criteria: Invitae Variant Classification Sherloc (09022015). Collection method: clinical testing. Allele origin: germline.

GeneDx
Classification: Uncertain significance. Last evaluated: 2025-03-11. Review status: criteria provided, single submitter. Criteria: GeneDx Variant Classification Process June 2021. Collection method: clinical testing. Allele origin: germline. Affected: yes.
Comment: In silico analysis suggests this variant may impact gene splicing. In the absence of RNA/functional studies, the actual effect of this sequence change is unknown.; Has not been previously published as pathogenic or benign to our knowledge

Laboratory for Molecular Medicine, Mass General Brigham Personalized Medicine
Classification: Likely benign. Last evaluated: 2017-12-14. Review status: criteria provided, single submitter. Criteria: LMM Criteria. Collection method: clinical testing. Allele origin: germline. Observed: 2 variant alleles.
Comment: p.Arg1495Arg in Exon 36 of OTOF: This variant is not expected to have clinical s ignificance because it does not alter an amino acid residue, is not located with in the splice consensus sequence, and has been identified in 0.05% (65/126702) o f African American chromosomes by the Genome Aggregation Database (gnomAD; dbSNP rs147321712).

Eurofins Ntd Llc (ga)
Classification: Uncertain significance. Last evaluated: 2017-05-26. Review status: criteria provided, single submitter. Criteria: EGL Classification Definitions 2015. Collection method: clinical testing. Allele origin: germline. Observed: 1 variant allele, 1 heterozygote.

Illumina Laboratory Services, Illumina
Classification: Uncertain significance for Autosomal recessive nonsyndromic hearing loss 9. Last evaluated: 2017-04-27. Review status: criteria provided, single submitter. Criteria: ICSL Variant Classification Criteria 13 December 2019. Collection method: clinical testing. Allele origin: germline.
Comment: This variant was observed as part of a predisposition screen in an ostensibly healthy population. A literature search was performed for the gene, cDNA change, and amino acid change (where applicable). Publications were found based on this search. However, the evidence from the literature, in combination with allele frequency data from public databases where available, was not sufficient to rule this variant in or out of causing disease. Therefore, this variant is classified as a variant of unknown significance.

PreventionGenetics, part of Exact Sciences
Classification: Likely benign for OTOF-related condition. Last evaluated: 2019-04-01. Review status: no assertion criteria provided. Collection method: clinical testing. Allele origin: germline. Not counted in ClinVar's aggregate classification.
Comment: This variant is classified as likely benign based on ACMG/AMP sequence variant interpretation guidelines (Richards et al. 2015 PMID: 25741868, with internal and published modifications).

Dr. Peter K. Rogan Lab, Western University
No classification provided (evidence only). Condition: Melanoma. Review status: no classification provided. Collection method: in vitro. Allele origin: not applicable. Functional consequence: retained intron. Not counted in ClinVar's aggregate classification.

Literature cited by the submitters: PubMed 18381613 (cited by Illumina Laboratory Services, Illumina).

NM_194248.3(OTOF):c.4483C>A (p.Arg1495=)

Gene: OTOF (otoferlin; minus strand). Cytogenetic location: 2p23.3.
Variant type: single nucleotide variant.
Coding change: c.4483C>A on transcript NM_194248.3 (MANE Select); coding-DNA position 4483, C replaced by A.
Protein change: p.Arg1495=; no amino-acid change (arginine 1495 retained).
Molecular consequence: synonymous variant.
Genome position (GRCh38, 1-based): chr2:26,466,731, G>T on the plus strand (C>A on the coding strand, the complement: OTOF is on the minus strand). VCF-style: chr2-26466731-G-T. GRCh37 (hg19) VCF-style: chr2-26689599-G-T.
Other names: c.4483C>A, p.Arg1495= (NM_001287489.2); c.2182C>A, p.Arg728= (NM_004802.4, NM_194323.3); c.2413C>A, p.Arg805= (NM_194322.3).
Identifiers: ClinVar variation 178506 (VCV000178506.28), dbSNP rs147321712, ClinGen allele CA182456.
Genomic context (GRCh38, chr2:26,466,731, plus strand): 5'-GGATGAGGAGACTTGCAAGGAGGGAAAGCGACGGGAGTCTCACCCGGACCACATAGACTC[G>T]GACCAGCACATTGATGGGGTCATTGCTCGGGATGCCCTGGAACATGCCGTAGGTGGAGTC-3'
Protein context (NP_919224.1, residues 1485-1505): PSNDPINVLV[Arg1495=]VYVVRATDLH